The following is an entry in ClinVar:

NM_003190.5(TAPBP):c.1300+3_1300+6del

Gene: TAPBP (TAP binding protein; minus strand). Cytogenetic location: 6p21.32.
Variant type: Deletion.
Coding change: c.1300+3_1300+6del on transcript NM_003190.5 (MANE Select); bases 3 to 6 of the intron after coding-DNA position 1300, 4 bases deleted (AAGT; older notation c.1300+3_1300+6delAAGT).
Molecular consequence: splice donor variant.
Genome position (GRCh38, 1-based): chr6:33,304,122-33,304,125, ACTT deleted on the plus strand (AAGT on the coding strand, the reverse complement: TAPBP is on the minus strand); deleting any 4 consecutive bases within chr6:33,304,122-33,304,127 gives the same sequence; the c. name uses the placement nearest the transcript's 3' end. VCF-style (leftmost placement, unchanged base first): chr6-33304121-CACTT-C. GRCh37 (hg19) VCF-style: chr6-33271898-CACTT-C.
Other names: c.1300+3_1300+6delAAGT (NM_003190.4); c.1039+3_1039+6del (NM_172209.3); c.1300+3_1300+6del (NM_172208.3).
Identifiers: ClinVar variation 649689 (VCV000649689.5), dbSNP rs770150271, ClinGen allele CA3755668.
Genomic context (GRCh38, chr6:33,304,121, plus strand): 5'-GCTCTTGGGAGTAGGTGGGGAAAGTCCACCAACCTCAGGTCATGGTCAGGGTAGGGCTGA[CACTT>C]ACCAGCCCAGCCCAGTGCCTTGAAGAGCCCAAGCAGAAGAAAGGCAGACAGGAAAAGGCC-3'

ClinVar aggregate classification (germline): Uncertain significance (1 of 4 stars; one submission).

Conditions:
MHC class I deficiency. Identifiers: Orphanet 34592, MedGen C6024714, MONDO:0011476.

Submission:

Labcorp Genetics (formerly Invitae), Labcorp
Classification: Uncertain significance for MHC class I deficiency 1. Last evaluated: 2025-11-03. Review status: criteria provided, single submitter. Criteria: Invitae Variant Classification Sherloc (09022015). Collection method: clinical testing. Allele origin: germline.
Comment: This sequence change falls in intron 6 of the TAPBP gene. It does not directly change the encoded amino acid sequence of the TAPBP protein. It affects a nucleotide within the consensus splice site. This variant is present in population databases (rs770150271, gnomAD 0.03%). This variant has not been reported in the literature in individuals affected with TAPBP-related conditions. ClinVar contains an entry for this variant (Variation ID: 649689). Variants that disrupt the consensus splice site are a relatively common cause of aberrant splicing (PMID: 17576681, 9536098). Algorithms developed to predict the effect of sequence changes on RNA splicing suggest that this variant may disrupt the consensus splice site. In summary, the available evidence is currently insufficient to determine the role of this variant in disease. Therefore, it has been classified as a Variant of Uncertain Significance.

Literature cited by the submitters: PubMed 17576681; PubMed 9536098.